The following is an entry in ClinVar:

ClinVar aggregate classification (germline): Uncertain significance (1 of 4 stars; one submission).

Conditions:
Arthrogryposis, distal, type 2B3. Also called: Arthrogryposis, distal, type 2B3 (Sheldon-Hall). Identifiers: MedGen C5193098, MONDO:0032751, OMIM 618436.

Submission:

Centre for Mendelian Genomics, University Medical Centre Ljubljana
Classification: Uncertain significance for Arthrogryposis, distal, type 2B3. Last evaluated: 2018-11-08. Review status: criteria provided, single submitter. Criteria: ACMG Guidelines, 2015. Collection method: clinical testing. Allele origin: unknown. Affected: yes.
Comment: This variant was classified as: Uncertain significance. The available evidence on this variant's pathogenicity is insufficient or conflicting. The following ACMG criteria were applied in classifying this variant: PM2.

NM_002470.4(MYH3):c.5251A>G (p.Asn1751Asp)

Gene: MYH3 (myosin heavy chain 3; minus strand). Cytogenetic location: 17p13.1.
Variant type: single nucleotide variant.
Coding change: c.5251A>G on transcript NM_002470.4 (MANE Select); coding-DNA position 5251, A replaced by G.
Protein change: p.Asn1751Asp; replaces asparagine 1751 with aspartic acid.
Molecular consequence: missense variant.
Genome position (GRCh38, 1-based): chr17:10,631,646, T>C on the plus strand (A>G on the coding strand, the complement: MYH3 is on the minus strand). VCF-style: chr17-10631646-T-C. GRCh37 (hg19) VCF-style: chr17-10534963-T-C.
Other names: short protein forms N1751D.
Identifiers: ClinVar variation 931339 (VCV000931339.3), dbSNP rs2074158720, ClinGen allele CA398134220.